The following is an entry in ClinVar:

ClinVar aggregate classification (germline): Likely benign (1 of 4 stars; one submission).

gnomAD v4.1: 94 of 1,613,388 alleles (0.0058%); highest among the groups gnomAD compares: South Asian, 0.018%; no homozygotes.

Submission:

CeGaT Center for Human Genetics Tuebingen
Classification: Likely benign. Last evaluated: 2025-08-01. Review status: criteria provided, single submitter. Criteria: CeGaT Center For Human Genetics Tuebingen Variant Classification Criteria Version 2. Collection method: clinical testing. Allele origin: germline. Affected: yes. Observed: 1 variant allele.
Comment: RREB1: BP4, BP7

NM_001003699.4(RREB1):c.3273C>T (p.Pro1091=)

Gene: RREB1 (ras responsive element binding protein 1; plus strand). Cytogenetic location: 6p24.3.
Variant type: single nucleotide variant.
Coding change: c.3273C>T on transcript NM_001003699.4 (MANE Select); coding-DNA position 3273, C replaced by T.
Protein change: p.Pro1091=; no amino-acid change (proline 1091 retained).
Molecular consequence: synonymous variant.
Genome position (GRCh38, 1-based): chr6:7,231,372, C>T. VCF-style: chr6-7231372-C-T. GRCh37 (hg19) VCF-style: chr6-7231605-C-T.
Other names: c.3273C>T, p.Pro1091= (NM_001003698.4, NM_001003700.2, NM_001168344.2).
Identifiers: ClinVar variation 4084456 (VCV004084456.8).